The following is an entry in ClinVar:

ClinVar aggregate classification (germline): Uncertain significance. Review status: criteria provided, multiple submitters, no conflicts (2 of 4 stars). 2 submissions from 2 submitters: Uncertain significance (2). Last evaluated 2024-12-08.

Conditions:
Spastic paraplegia. Identifiers: MedGen C0037772, HP:0001258.

Allele frequency attached by ClinVar (database versions not stated): TOPMed 0.00001.

Submissions (2):

Labcorp Genetics (formerly Invitae), Labcorp
Classification: Uncertain significance for Spastic paraplegia. Last evaluated: 2024-12-08. Review status: criteria provided, single submitter. Criteria: Invitae Variant Classification Sherloc (09022015). Collection method: clinical testing. Allele origin: germline.
Comment: This sequence change replaces tyrosine, which is neutral and polar, with histidine, which is basic and polar, at codon 806 of the L1CAM protein (p.Tyr806His). This variant is not present in population databases (gnomAD no frequency). This variant has not been reported in the literature in individuals affected with L1CAM-related conditions. ClinVar contains an entry for this variant (Variation ID: 1305515). Invitae Evidence Modeling of protein sequence and biophysical properties (such as structural, functional, and spatial information, amino acid conservation, physicochemical variation, residue mobility, and thermodynamic stability) has been performed for this missense variant. However, the output from this modeling did not meet the statistical confidence thresholds required to predict the impact of this variant on L1CAM protein function. In summary, the available evidence is currently insufficient to determine the role of this variant in disease. Therefore, it has been classified as a Variant of Uncertain Significance.

GeneDx
Classification: Uncertain significance. Last evaluated: 2019-05-13. Review status: criteria provided, single submitter. Criteria: GeneDx Variant Classification Process June 2021. Collection method: clinical testing. Allele origin: germline. Affected: yes.
Comment: Not observed in large population cohorts (Lek et al., 2016); In silico analysis, which includes protein predictors and evolutionary conservation, supports that this variant does not alter protein structure/function; Has not been previously published as pathogenic or benign to our knowledge

NM_001278116.2(L1CAM):c.2416T>C (p.Tyr806His)

Gene: L1CAM (L1 cell adhesion molecule; minus strand). Cytogenetic location: Xq28.
Variant type: single nucleotide variant.
Coding change: c.2416T>C on transcript NM_001278116.2 (MANE Select); coding-DNA position 2416, T replaced by C.
Protein change: p.Tyr806His; replaces tyrosine 806 with histidine.
Molecular consequence: missense variant.
Genome position (GRCh38, 1-based): chrX:153,866,664, A>G on the plus strand (T>C on the coding strand, the complement: L1CAM is on the minus strand). VCF-style: chrX-153866664-A-G. GRCh37 (hg19) VCF-style: chrX-153132119-A-G.
Other names: c.2416T>C, p.Tyr806His (NM_000425.5, NM_024003.3); c.2401T>C, p.Tyr801His (NM_001143963.2); short protein forms Y801H, Y806H.
Identifiers: ClinVar variation 1305515 (VCV001305515.3), dbSNP rs2064716073, ClinGen allele CA415118172.